The following is an entry in ClinVar:

NM_004958.4(MTOR):c.2472C>T (p.Ile824=)

Gene: MTOR (mechanistic target of rapamycin kinase; minus strand). Cytogenetic location: 1p36.22.
Variant type: single nucleotide variant.
Coding change: c.2472C>T on transcript NM_004958.4 (MANE Select); coding-DNA position 2472, C replaced by T.
Protein change: p.Ile824=; no amino-acid change (isoleucine 824 retained).
Molecular consequence: synonymous variant.
Genome position (GRCh38, 1-based): chr1:11,232,478, G>A on the plus strand (C>T on the coding strand, the complement: MTOR is on the minus strand). VCF-style: chr1-11232478-G-A. GRCh37 (hg19) VCF-style: chr1-11292535-G-A.
Identifiers: ClinVar variation 696290 (VCV000696290.37), dbSNP rs138875882, ClinGen allele CA590478.

ClinVar aggregate classification (germline): Benign/Likely benign. Review status: criteria provided, multiple submitters, no conflicts (2 of 4 stars). 5 submissions from 5 submitters: Benign (2); Likely benign (2). 1 of the submissions does not count toward it. Last evaluated 2025-12-21.

Conditions:
MTOR-related disorder. Also called: MTOR-related condition.

Allele frequency attached by ClinVar (database versions not stated): 1000 Genomes Project 30x 0.00016; 1000 Genomes Project 0.00020; ESP Exome Variant Server 0.00054; gnomAD 0.00056 and 0.00058; TOPMed 0.00062.
gnomAD v4.1: 147 of 1,614,008 alleles (0.0091%); highest among the groups gnomAD compares: African/African-American, 0.18%; 1 homozygote.

Submissions (5):

Labcorp Genetics (formerly Invitae), Labcorp
Classification: Benign. Last evaluated: 2025-12-21. Review status: criteria provided, single submitter. Criteria: Invitae Variant Classification Sherloc (09022015). Collection method: clinical testing. Allele origin: germline.

CeGaT Center for Human Genetics Tuebingen
Classification: Likely benign. Last evaluated: 2025-12-01. Review status: criteria provided, single submitter. Criteria: CeGaT Center For Human Genetics Tuebingen Variant Classification Criteria Version 2. Collection method: clinical testing. Allele origin: germline. Affected: yes. Observed: 2 variant alleles.
Comment: MTOR: BP4, BP7

ARUP Laboratories, Molecular Genetics and Genomics, ARUP Laboratories
Classification: Likely benign. Last evaluated: 2025-03-13. Review status: criteria provided, single submitter. Criteria: ARUP Molecular Germline Variant Investigation Process 2024. Collection method: clinical testing. Allele origin: germline.

GeneDx
Classification: Benign. Last evaluated: 2019-10-16. Review status: criteria provided, single submitter. Criteria: GeneDx Variant Classification Process June 2021. Collection method: clinical testing. Allele origin: germline. Affected: yes.

PreventionGenetics, part of Exact Sciences
Classification: Likely benign for MTOR-related condition. Last evaluated: 2019-12-26. Review status: no assertion criteria provided. Collection method: clinical testing. Allele origin: germline. Not counted in ClinVar's aggregate classification.
Comment: This variant is classified as likely benign based on ACMG/AMP sequence variant interpretation guidelines (Richards et al. 2015 PMID: 25741868, with internal and published modifications).